The following is an entry in ClinVar:

ClinVar aggregate classification (germline): Uncertain significance (1 of 4 stars; one submission).

Allele frequency attached by ClinVar (database versions not stated): gnomAD exomes below 0.00001; TOPMed 0.00001; gnomAD 0.00002.
gnomAD v4.1: 6 of 1,613,806 alleles (0.00037%); highest among the groups gnomAD compares: Non-Finnish European, 0.00051%; no homozygotes.

Submission:

Labcorp Genetics (formerly Invitae), Labcorp
Classification: Uncertain significance. Last evaluated: 2023-10-28. Review status: criteria provided, single submitter. Criteria: Invitae Variant Classification Sherloc (09022015). Collection method: clinical testing. Allele origin: germline.
Comment: This sequence change replaces arginine, which is basic and polar, with glutamine, which is neutral and polar, at codon 1810 of the DMXL2 protein (p.Arg1810Gln). This variant is not present in population databases (gnomAD no frequency). This variant has not been reported in the literature in individuals affected with DMXL2-related conditions. Algorithms developed to predict the effect of missense changes on protein structure and function output the following: SIFT: "Not Available"; PolyPhen-2: "Benign"; Align-GVGD: "Not Available". The glutamine amino acid residue is found in multiple mammalian species, which suggests that this missense change does not adversely affect protein function. In summary, the available evidence is currently insufficient to determine the role of this variant in disease. Therefore, it has been classified as a Variant of Uncertain Significance.

NM_001378457.1(DMXL2):c.5429G>A (p.Arg1810Gln)

Gene: DMXL2 (Dmx like 2; minus strand). Cytogenetic location: 15q21.2.
Variant type: single nucleotide variant.
Coding change: c.5429G>A on transcript NM_001378457.1 (MANE Select); coding-DNA position 5429, G replaced by A.
Protein change: p.Arg1810Gln; replaces arginine 1810 with glutamine.
Molecular consequence: missense variant. On other transcripts: non-coding transcript variant (2).
Genome position (GRCh38, 1-based): chr15:51,486,126, C>T on the plus strand (G>A on the coding strand, the complement: DMXL2 is on the minus strand). VCF-style: chr15-51486126-C-T. GRCh37 (hg19) VCF-style: chr15-51778323-C-T.
Other names: c.5429G>A, p.Arg1810Gln (NM_001174116.3, NM_001378458.1, NM_001378459.1 and 4 more transcripts); c.3521G>A, p.Arg1174Gln (NM_001174117.3); c.3410G>A, p.Arg1137Gln (NM_001378460.1); c.5189G>A, p.Arg1730Gln (NM_001378464.1); short protein forms R1730Q, R1174Q, R1810Q, R1137Q.
Identifiers: ClinVar variation 3004998 (VCV003004998.1), dbSNP rs1318605701, ClinGen allele CA392426744.
Genomic context (GRCh38, chr15:51,486,126, plus strand): 5'-GTCCTACCTTGATGTTCATCATCCTCCTTTGGTGTTTGTTCCAGTAATGTGTCCAAGGCT[C>T]GGGTGTAATCTTTCATTACCCAATAGGCAAGACTACGCAGGAAAGGATCAGGATGTAATC-3'
Protein context (NP_001365386.1, residues 1800-1820): LAYWVMKDYT[Arg1810Gln]ALDTLLEQTP